The following is an entry in ClinVar:

ClinVar aggregate classification (germline): Benign (1 of 4 stars; one submission).

Conditions:
Hereditary diffuse gastric adenocarcinoma (HDGC). Also called: DIFFUSE GASTRIC AND LOBULAR BREAST CANCER SYNDROME. Identifiers: Orphanet 26106, MedGen C1708349, MONDO:0007648, OMIM 137215.

Submission:

Myriad Genetics, Inc.
Classification: Benign for Hereditary diffuse gastric adenocarcinoma. Last evaluated: 2024-09-13. Review status: criteria provided, single submitter. Criteria: Myriad Autosomal Dominant, Autosomal Recessive and X-Linked Classification Criteria (2023). Collection method: clinical testing. Allele origin: unknown.
Comment: This variant is considered benign. This variant is a silent/synonymous amino acid change and it is not expected to impact splicing.

NM_004360.5(CDH1):c.681A>G (p.Thr227=)

Gene: CDH1 (cadherin 1; plus strand). Cytogenetic location: 16q22.1.
Variant type: single nucleotide variant.
Coding change: c.681A>G on transcript NM_004360.5 (MANE Select); coding-DNA position 681, A replaced by G.
Protein change: p.Thr227=; no amino-acid change (threonine 227 retained).
Molecular consequence: synonymous variant. On other transcripts: 5 prime UTR variant (2).
Genome position (GRCh38, 1-based): chr16:68,808,842, A>G. VCF-style: chr16-68808842-A-G. GRCh37 (hg19) VCF-style: chr16-68842745-A-G.
Other names: c.681A>G, p.Thr227= (NM_001317184.2); c.-935A>G (NM_001317185.2); c.-1139A>G (NM_001317186.2).
Identifiers: ClinVar variation 3378462 (VCV003378462.1).